The following is an entry in ClinVar:

NM_024675.4(PALB2):c.1974A>T (p.Glu658Asp)

Gene: PALB2 (partner and localizer of BRCA2; minus strand). Cytogenetic location: 16p12.2.
Variant type: single nucleotide variant.
Coding change: c.1974A>T on transcript NM_024675.4 (MANE Select); coding-DNA position 1974, A replaced by T.
Protein change: p.Glu658Asp; replaces glutamic acid 658 with aspartic acid.
Molecular consequence: missense variant.
Genome position (GRCh38, 1-based): chr16:23,630,180, T>A on the plus strand (A>T on the coding strand, the complement: PALB2 is on the minus strand). VCF-style: chr16-23630180-T-A. GRCh37 (hg19) VCF-style: chr16-23641501-T-A.
Other names: short protein forms E658D.
Identifiers: ClinVar variation 480293 (VCV000480293.5), dbSNP rs1057522241, ClinGen allele CA395127298.
Genomic context (GRCh38, chr16:23,630,180, plus strand): 5'-TAGAACAATAAGGTCCTCTTCTAAGTCCTCCATTTCTGTATCCATGCGTTTAGGACTCAG[T>A]TCCTCTGGAAAAATACAGCTTCCCTCTTTAAGATGTCTCTCTCCAAACATTTTTGACTCA-3'
Protein context (NP_078951.2, residues 648-668): LKEGSCIFPE[Glu658Asp]LSPKRMDTEM

ClinVar aggregate classification (germline): Uncertain significance (1 of 4 stars; one submission).

Conditions:
Hereditary cancer-predisposing syndrome. Also called: Hereditary Cancer Syndrome; Neoplastic Syndromes, Hereditary; Tumor predisposition; Hereditary neoplastic syndrome. Identifiers: Orphanet 140162, MedGen C0027672, MeSH D009386, MONDO:0015356.

Submission:

Ambry Genetics
Classification: Uncertain significance for Hereditary cancer-predisposing syndrome. Last evaluated: 2017-06-22. Review status: criteria provided, single submitter. Criteria: Ambry Variant Classification Scheme 2023. Collection method: clinical testing. Allele origin: germline.
Comment: The p.E658D variant (also known as c.1974A>T), located in coding exon 5 of the PALB2 gene, results from an A to T substitution at nucleotide position 1974. The glutamic acid at codon 658 is replaced by aspartic acid, an amino acid with highly similar properties. This amino acid position is poorly conserved in available vertebrate species. In addition, this alteration is predicted to be tolerated by in silico analysis. Since supporting evidence is limited at this time, the clinical significance of this alteration remains unclear.